The following is an entry in ClinVar:

NM_001009944.3(PKD1):c.5108T>C (p.Leu1703Pro)

Gene: PKD1 (polycystin 1, transient receptor potential channel interacting; minus strand). Cytogenetic location: 16p13.3.
Variant type: single nucleotide variant.
Coding change: c.5108T>C on transcript NM_001009944.3 (MANE Select); coding-DNA position 5108, T replaced by C.
Protein change: p.Leu1703Pro; replaces leucine 1703 with proline.
Molecular consequence: missense variant.
Genome position (GRCh38, 1-based): chr16:2,110,059, A>G on the plus strand (T>C on the coding strand, the complement: PKD1 is on the minus strand). VCF-style: chr16-2110059-A-G. GRCh37 (hg19) VCF-style: chr16-2160060-A-G.
Other names: c.5108T>C, p.Leu1703Pro (NM_000296.4); short protein forms L1703P.
Identifiers: ClinVar variation 811841 (VCV000811841.8), dbSNP rs1596556474, ClinGen allele CA394378224.
Genomic context (GRCh38, chr16:2,110,059, plus strand): 5'-ACCATCAGCCACCCCACAGGCTCCACGAAGTCCATGGTGCAGTCGGCCCAGGCGCTGCCC[A>G]GCATGTTGGTGGCCCGCAGCTGCACATGGTAGGTGCCGGCCTCGAGCACGGTGAGCGAGA-3'
Protein context (NP_001009944.3, residues 1693-1713): YHVQLRATNM[Leu1703Pro]GSAWADCTMD

ClinVar aggregate classification (germline): Uncertain significance (1 of 4 stars; one submission).

Conditions:
Polycystic kidney disease, adult type (PKD1). Also called: POLYCYSTIC KIDNEY DISEASE 1 WITH OR WITHOUT POLYCYSTIC LIVER DISEASE; POLYCYSTIC KIDNEY DISEASE, ADULT, TYPE I; Polycystic Kidney, Autosomal Dominant; Polycystic Kidney Disease 1, Autosomal Dominant; Polycystic kidney disease 1; Polycystic kidney disease 1, severe. Identifiers: MedGen C3149841, MONDO:0008263, OMIM 173900.

Submission:

ARUP Laboratories, Molecular Genetics and Genomics, ARUP Laboratories
Classification: Uncertain significance for Polycystic kidney disease, adult type. Last evaluated: 2018-11-23. Review status: criteria provided, single submitter. Criteria: ARUP Molecular Germline Variant Investigation Process. Collection method: clinical testing. Allele origin: germline.
Comment: The PKD1 c.5108T>C; p.Leu1703Pro variant, to our knowledge, is not reported in the medical literature or gene-specific databases. This variant is also absent from general population databases (Exome Variant Server, Genome Aggregation Database), indicating it is not a common polymorphism. The leucine at codon 1703 is highly conserved, and computational analyses (SIFT, PolyPhen-2) predict that this variant is deleterious. However, due to limited information, the clinical significance of the p.Leu1703Pro variant is uncertain at this time.